The following is an entry in ClinVar:

NM_000198.4(HSD3B2):c.154_162delinsTCCTGTT (p.Arg52fs)

Gene: HSD3B2 (hydroxy-delta-5-steroid dehydrogenase, 3 beta- and steroid delta-isomerase 2; plus strand). Cytogenetic location: 1p12.
Variant type: Indel.
Coding change: c.154_162delinsTCCTGTT on transcript NM_000198.4 (MANE Select); coding-DNA positions 154 to 162, AGGACCAAG replaced by TCCTGTT.
Protein change: p.Arg52fs; shifts the reading frame from arginine 52.
Molecular consequence: frameshift variant.
Genome position (GRCh38, 1-based): chr1:119,419,429-119,419,437, AGGACCAAG replaced by TCCTGTT. VCF-style: chr1-119419429-AGGACCAAG-TCCTGTT. GRCh37 (hg19) VCF-style: chr1-119962052-AGGACCAAG-TCCTGTT.
Other names: c.154_162delinsTCCTGTT, p.Arg52fs (NM_001166120.2); short protein forms R52fs.
Identifiers: ClinVar variation 2086405 (VCV002086405.4), dbSNP rs2526382945, ClinGen allele CA2580060897.

ClinVar aggregate classification (germline): Pathogenic (1 of 4 stars; one submission).

Submission:

Labcorp Genetics (formerly Invitae), Labcorp
Classification: Pathogenic. Last evaluated: 2022-01-16. Review status: criteria provided, single submitter. Criteria: Invitae Variant Classification Sherloc (09022015). Collection method: clinical testing. Allele origin: germline.
Comment: For these reasons, this variant has been classified as Pathogenic. This variant has not been reported in the literature in individuals affected with HSD3B2-related conditions. Information on the frequency of this variant in the gnomAD database is not available, as this variant may be reported differently in the database. This sequence change creates a premature translational stop signal (p.Arg52Serfs*7) in the HSD3B2 gene. It is expected to result in an absent or disrupted protein product. Loss-of-function variants in HSD3B2 are known to be pathogenic (PMID: 11196452).

Literature cited by the submitters: PubMed 11196452.